The following is an entry in ClinVar:

NM_004431.5(EPHA2):c.144T>G (p.Tyr48Ter)

Gene: EPHA2 (EPH receptor A2; minus strand). Cytogenetic location: 1p36.13.
Variant type: single nucleotide variant.
Coding change: c.144T>G on transcript NM_004431.5 (MANE Select); coding-DNA position 144, T replaced by G.
Protein change: p.Tyr48Ter; replaces tyrosine 48 with a stop codon.
Molecular consequence: nonsense. On other transcripts: intron variant (1).
Genome position (GRCh38, 1-based): chr1:16,150,905, A>C on the plus strand (T>G on the coding strand, the complement: EPHA2 is on the minus strand). VCF-style: chr1-16150905-A-C. GRCh37 (hg19) VCF-style: chr1-16477400-A-C.
Other names: c.-9-1858T>G (NM_001329090.2); short protein forms Y48*.
Identifiers: ClinVar variation 5021105 (VCV005021105.1).

ClinVar aggregate classification (germline): Likely pathogenic (1 of 4 stars; one submission).

Conditions:
Bilateral congenital or childhood onset cataracts.

Submission:

North West Genomic Laboratory Hub, Manchester University NHS Foundation Trust
Classification: Likely pathogenic for Bilateral congenital or childhood onset cataracts. Last evaluated: 2025-10-08. Review status: criteria provided, single submitter. Criteria: ACGS Best Practice Guidelines for Variant Classification in Rare Disease 2024. Collection method: clinical testing. Allele origin: germline. Affected: yes.
Comment: PM2_Mod PVS1_Str